The following is an entry in ClinVar:

NM_199420.4(POLQ):c.3865T>C (p.Ser1289Pro)

Gene: POLQ (DNA polymerase theta; minus strand). Cytogenetic location: 3q13.33.
Variant type: single nucleotide variant.
Coding change: c.3865T>C on transcript NM_199420.4 (MANE Select); coding-DNA position 3865, T replaced by C.
Protein change: p.Ser1289Pro; replaces serine 1289 with proline.
Molecular consequence: missense variant.
Genome position (GRCh38, 1-based): chr3:121,489,066, A>G on the plus strand (T>C on the coding strand, the complement: POLQ is on the minus strand). VCF-style: chr3-121489066-A-G. GRCh37 (hg19) VCF-style: chr3-121207913-A-G.
Other names: short protein forms S1289P.
Identifiers: ClinVar variation 1735637 (VCV001735637.2), dbSNP rs2546786817, ClinGen allele CA354096838.

ClinVar aggregate classification (germline): Uncertain significance (1 of 4 stars; one submission).

Submission:

Ambry Genetics
Classification: Uncertain significance. Last evaluated: 2021-08-07. Review status: criteria provided, single submitter. Criteria: Ambry Variant Classification Scheme 2023. Collection method: clinical testing. Allele origin: germline.
Comment: The p.S1289P variant (also known as c.3865T>C), located in coding exon 16 of the POLQ gene, results from a T to C substitution at nucleotide position 3865. The serine at codon 1289 is replaced by proline, an amino acid with similar properties. This amino acid position is conserved. In addition, this alteration is predicted to be tolerated by in silico analysis. Since supporting evidence is limited at this time, the clinical significance of this alteration remains unclear.